The following is an entry in ClinVar:

NM_015346.4(ZFYVE26):c.956C>T (p.Ala319Val)

Gene: ZFYVE26 (zinc finger FYVE-type containing 26; minus strand). Cytogenetic location: 14q24.1.
Variant type: single nucleotide variant.
Coding change: c.956C>T on transcript NM_015346.4 (MANE Select); coding-DNA position 956, C replaced by T.
Protein change: p.Ala319Val; replaces alanine 319 with valine.
Molecular consequence: missense variant.
Genome position (GRCh38, 1-based): chr14:67,806,606, G>A on the plus strand (C>T on the coding strand, the complement: ZFYVE26 is on the minus strand). VCF-style: chr14-67806606-G-A. GRCh37 (hg19) VCF-style: chr14-68273323-G-A.
Other names: p.Ala319Val; short protein forms A319V.
Identifiers: ClinVar variation 313919 (VCV000313919.8), dbSNP rs765552636, ClinGen allele CA7240653.

ClinVar aggregate classification (germline): Uncertain significance. Review status: criteria provided, multiple submitters, no conflicts (2 of 4 stars). 4 submissions from 4 submitters: Uncertain significance (4). Last evaluated 2025-01-15.

Conditions:
Inborn genetic diseases. Identifiers: MedGen C0950123, MeSH D030342.
Hereditary spastic paraplegia 15 (SPG15). Also called: SPASTIC PARAPLEGIA 15, AUTOSOMAL RECESSIVE; KJELLIN SYNDROME; SPASTIC PARAPLEGIA AND RETINAL DEGENERATION. Identifiers: Orphanet 100996, MedGen C1849128, MONDO:0010044, OMIM 270700.
Spastic paraplegia. Identifiers: MedGen C0037772, HP:0001258.

Allele frequency attached by ClinVar (database versions not stated): gnomAD exomes below 0.00001 and 0.00001; gnomAD 0.00001; ExAC 0.00002.
gnomAD v4.1: 8 of 1,614,062 alleles (0.0005%); highest among the groups gnomAD compares: Non-Finnish European, 0.00059%; no homozygotes.

Submissions (4):

Ambry Genetics
Classification: Uncertain significance for Inborn genetic diseases. Last evaluated: 2025-01-15. Review status: criteria provided, single submitter. Criteria: Ambry Variant Classification Scheme 2023. Collection method: clinical testing. Allele origin: germline.

Mayo Clinic Laboratories, Mayo Clinic
Classification: Uncertain significance. Last evaluated: 2024-03-19. Review status: criteria provided, single submitter. Criteria: ACMG Guidelines, 2015. Collection method: clinical testing. Allele origin: germline. Observed: 1 variant allele.
Comment: BP4

Labcorp Genetics (formerly Invitae), Labcorp
Classification: Uncertain significance for Spastic paraplegia. Last evaluated: 2022-02-10. Review status: criteria provided, single submitter. Criteria: Invitae Variant Classification Sherloc (09022015). Collection method: clinical testing. Allele origin: germline.
Comment: This sequence change replaces alanine, which is neutral and non-polar, with valine, which is neutral and non-polar, at codon 319 of the ZFYVE26 protein (p.Ala319Val). This variant is present in population databases (rs765552636, gnomAD 0.003%). This variant has not been reported in the literature in individuals affected with ZFYVE26-related conditions. ClinVar contains an entry for this variant (Variation ID: 313919). Algorithms developed to predict the effect of missense changes on protein structure and function are either unavailable or do not agree on the potential impact of this missense change (SIFT: "Tolerated"; PolyPhen-2: "Possibly Damaging"; Align-GVGD: "Class C0"). Algorithms developed to predict the effect of sequence changes on RNA splicing suggest that this variant may create or strengthen a splice site. In summary, the available evidence is currently insufficient to determine the role of this variant in disease. Therefore, it has been classified as a Variant of Uncertain Significance.

Illumina Laboratory Services, Illumina
Classification: Uncertain significance for Hereditary spastic paraplegia 15. Last evaluated: 2018-01-12. Review status: criteria provided, single submitter. Criteria: ICSL Variant Classification Criteria 13 December 2019. Collection method: clinical testing. Allele origin: germline.